The following is an entry in ClinVar:

ClinVar aggregate classification (germline): Pathogenic (1 of 4 stars; one submission).

Submission:

GeneDx
Classification: Pathogenic. Last evaluated: 2018-03-06. Review status: criteria provided, single submitter. Criteria: GeneDx Variant Classification (06012015). Collection method: clinical testing. Allele origin: germline. Affected: yes.
Comment: The c.1717_1722+5del11 variant in the FOXP1 gene has not been published as a pathogenic variant, nor has it been reported as a benign variant to our knowledge. The variant results in the deletion of 11 nucleotides spanning the junction of exon 19 and intron 19 and is expected to destroy the canonical splice donor site in intron 19, leading to abnormal gene splicing. Furthermore, the c.1717_1722+5del11 variant is not observed in large population cohorts (Lek et al., 2016). Therefore, we interpret c.1717_1722+5del11 as a pathogenic variant, and its presence is consistent with the diagnosis of a FOXP1-related disorder in this individual.

NM_001349338.3(FOXP1):c.1717_1722+5del

Gene: FOXP1 (forkhead box P1; minus strand). Cytogenetic location: 3p13.
Variant type: Deletion.
Coding change: c.1717_1722+5del on transcript NM_001349338.3 (MANE Select); coding-DNA position 1717 through 5 bases into the intron after coding-DNA position 1722, 11 bases deleted (TTACAGGTAAG).
Molecular consequence: splice donor variant.
Genome position (GRCh38, 1-based): chr3:70,970,731-70,970,741, CTTACCTGTAA deleted on the plus strand (TTACAGGTAAG on the coding strand, the reverse complement: FOXP1 is on the minus strand). VCF-style (leftmost placement, unchanged base first): chr3-70970730-TCTTACCTGTAA-T. GRCh37 (hg19) VCF-style: chr3-71019881-TCTTACCTGTAA-T.
Other names: c.1717_1722+5delTTACAGGTAAG (NM_032682.5); c.1765_1770+5del (NM_001244810.2); c.1717_1722+5del (NM_032682.6, NM_001349340.3, NM_001244816.2 and 1 more transcripts); c.1714_1719+5del (NM_001349341.3, NM_001244808.3); c.1489_1494+5del (NM_001244812.3); c.1414_1419+5del (NM_001349343.3, NM_001349337.2, NM_001370548.1 and 1 more transcripts); c.1417_1422+5del (NM_001349342.3, NM_001244815.2, NM_001244813.3).
Identifiers: ClinVar variation 504464 (VCV000504464.2), dbSNP rs1553660890, ClinGen allele CA658796344.